The following is an entry in ClinVar:

NM_182961.4(SYNE1):c.5360A>G (p.Glu1787Gly)

Gene: SYNE1 (spectrin repeat containing nuclear envelope protein 1; minus strand). Cytogenetic location: 6q25.2.
Variant type: single nucleotide variant.
Coding change: c.5360A>G on transcript NM_182961.4 (MANE Select); coding-DNA position 5360, A replaced by G.
Protein change: p.Glu1787Gly; replaces glutamic acid 1787 with glycine.
Molecular consequence: missense variant.
Genome position (GRCh38, 1-based): chr6:152,419,630, T>C on the plus strand (A>G on the coding strand, the complement: SYNE1 is on the minus strand). VCF-style: chr6-152419630-T-C. GRCh37 (hg19) VCF-style: chr6-152740765-T-C.
Other names: p.Glu1794Gly; c.5381A>G, p.Glu1794Gly (NM_033071.5); short protein forms E1787G, E1794G.
Identifiers: ClinVar variation 449258 (VCV000449258.19), dbSNP rs201366911, ClinGen allele CA4058312.

ClinVar aggregate classification (germline): Uncertain significance. Review status: criteria provided, multiple submitters, no conflicts (2 of 4 stars). 7 submissions from 7 submitters: Uncertain significance (7). Last evaluated 2026-01-01.

Conditions:
Emery-Dreifuss muscular dystrophy 4, autosomal dominant (EDMD4). Also called: EMERY-DREIFUSS MUSCULAR DYSTROPHY 4 WITH VARIABLE FEATURES. Identifiers: Orphanet 261, MedGen C2751807, MONDO:0013071, OMIM 612998.
Autosomal recessive ataxia, Beauce type. Also called: SYNE1 Deficiency; Spinocerebellar ataxia, autosomal recessive 8; ATAXIA, RECESSIVE, OF BEAUCE; SYNE1-Related Autosomal Recessive Cerebellar Ataxia. Identifiers: Orphanet 88644, MedGen C1853116, MONDO:0012549, OMIM 610743.

Allele frequency attached by ClinVar (database versions not stated): gnomAD exomes 0.00007 and 0.00008; ExAC 0.00009; gnomAD 0.00013 and 0.00050; ESP Exome Variant Server 0.00015; TOPMed 0.00054.
gnomAD v4.1: 184 of 1,613,768 alleles (0.011%); highest among the groups gnomAD compares: Non-Finnish European, 0.011%; no homozygotes.

Submissions (7):

CeGaT Center for Human Genetics Tuebingen
Classification: Uncertain significance. Last evaluated: 2026-01-01. Review status: criteria provided, single submitter. Criteria: CeGaT Center For Human Genetics Tuebingen Variant Classification Criteria Version 2. Collection method: clinical testing. Allele origin: germline. Affected: yes. Observed: 2 variant alleles.
Comment: SYNE1: PM2, BP4

Mayo Clinic Laboratories, Mayo Clinic
Classification: Uncertain significance. Last evaluated: 2025-10-30. Review status: criteria provided, single submitter. Criteria: ACMG Guidelines, 2015. Collection method: clinical testing. Allele origin: germline. Observed: 1 variant allele.
Comment: BP4_moderate, PM2_supporting

Athena Diagnostics
Classification: Uncertain significance. Last evaluated: 2025-05-13. Review status: criteria provided, single submitter. Criteria: Athena Diagnostics Criteria. Collection method: clinical testing. Allele origin: unknown.
Comment: Available data are insufficient to determine the clinical significance of the variant at this time. The frequency of this variant in the general population is uninformative in assessment of its pathogenicity. Polyphen and MutationTaster predict this amino acid change may be benign.

Revvity Omics, Revvity
Classification: Uncertain significance. Last evaluated: 2024-12-26. Review status: criteria provided, single submitter. Criteria: ACMG Guidelines, 2015. Collection method: clinical testing. Allele origin: germline.

Labcorp Genetics (formerly Invitae), Labcorp
Classification: Uncertain significance for Emery-Dreifuss muscular dystrophy 4, autosomal dominant; Autosomal recessive ataxia, Beauce type. Last evaluated: 2022-09-06. Review status: criteria provided, single submitter. Criteria: Invitae Variant Classification Sherloc (09022015). Collection method: clinical testing. Allele origin: germline.
Comment: This sequence change replaces glutamic acid, which is acidic and polar, with glycine, which is neutral and non-polar, at codon 1794 of the SYNE1 protein (p.Glu1794Gly). This variant is present in population databases (rs201366911, gnomAD 0.02%). This variant has not been reported in the literature in individuals affected with SYNE1-related conditions. ClinVar contains an entry for this variant (Variation ID: 449258). Algorithms developed to predict the effect of missense changes on protein structure and function are either unavailable or do not agree on the potential impact of this missense change (SIFT: "Deleterious"; PolyPhen-2: "Benign"; Align-GVGD: "Class C15"). In summary, the available evidence is currently insufficient to determine the role of this variant in disease. Therefore, it has been classified as a Variant of Uncertain Significance.

Eurofins Ntd Llc (ga)
Classification: Uncertain significance. Last evaluated: 2018-01-26. Review status: criteria provided, single submitter. Criteria: EGL Classification Definitions 2015. Collection method: clinical testing. Allele origin: germline. Observed: 2 variant alleles, 2 heterozygotes.

GeneDx
Classification: Uncertain significance. Last evaluated: 2017-08-16. Review status: criteria provided, single submitter. Criteria: GeneDx Variant Classification (06012015). Collection method: clinical testing. Allele origin: germline. Affected: yes.
Comment: The E1794G variant has not been published as a pathogenic variant, nor has it been reported as a benign variant to our knowledge. The E1794G variant is observed in 10/66,582 (0.02%) alleles from individuals of European background (Lek et al., 2016; 1000 Genomes Consortium et al., 2015; Exome Variant Server). This variant is a non-conservative amino acid substitution, which is likely to impact secondary protein structure as these residues differ in polarity, charge, size and/or other properties. However, this substitution occurs at a position that is not conserved. In silico analysis is inconsistent in its predictions as to whether or not the variant is damaging to the protein structure/function.